The following is an entry in ClinVar:

ClinVar aggregate classification (germline): Pathogenic (1 of 4 stars; one submission).

Conditions:
Cohen syndrome (COH1). Also called: PEPPER SYNDROME; Cutis verticis gyrata, retinitis pigmentosa, and sensorineural deafness. Identifiers: Orphanet 193, MedGen C0265223, MONDO:0008999, OMIM 216550.

Submission:

Myriad Genetics, Inc.
Classification: Pathogenic for Cohen syndrome. Last evaluated: 2024-03-08. Review status: criteria provided, single submitter. Criteria: Myriad Autosomal Dominant, Autosomal Recessive and X-Linked Classification Criteria (2023). Collection method: clinical testing. Allele origin: unknown.
Comment: NM_017890.4(VPS13B):c.6465C>A(C2155*) is expected to be pathogenic in the context of Cohen syndrome. This variant is predicted to lead to an abnormal or absent protein product due to the creation of a premature termination codon in VPS13B, a gene where loss-of-function variants are known to be pathogenic. Please note: this variant was assessed in the context of healthy population screening.

NM_152564.5(VPS13B):c.6390C>A (p.Cys2130Ter)

Gene: VPS13B (vacuolar protein sorting 13 homolog B; plus strand). Cytogenetic location: 8q22.2.
Variant type: single nucleotide variant.
Coding change: c.6390C>A on transcript NM_152564.5 (MANE Select); coding-DNA position 6390, C replaced by A.
Protein change: p.Cys2130Ter; replaces cysteine 2130 with a stop codon.
Molecular consequence: nonsense.
Genome position (GRCh38, 1-based): chr8:99,699,868, C>A. VCF-style: chr8-99699868-C-A. GRCh37 (hg19) VCF-style: chr8-100712096-C-A.
Other names: c.6465C>A, p.Cys2155Ter (NM_017890.5); short protein forms C2130*, C2155*.
Identifiers: ClinVar variation 5012805 (VCV005012805.1).